The following is an entry in ClinVar:

NM_020964.3(EPG5):c.6044T>C (p.Phe2015Ser)

Gene: EPG5 (ectopic P-granules 5 autophagy tethering factor; minus strand). Cytogenetic location: 18q12.3.
Variant type: single nucleotide variant.
Coding change: c.6044T>C on transcript NM_020964.3 (MANE Select); coding-DNA position 6044, T replaced by C.
Protein change: p.Phe2015Ser; replaces phenylalanine 2015 with serine.
Molecular consequence: missense variant.
Genome position (GRCh38, 1-based): chr18:45,876,241, A>G on the plus strand (T>C on the coding strand, the complement: EPG5 is on the minus strand). VCF-style: chr18-45876241-A-G. GRCh37 (hg19) VCF-style: chr18-43456206-A-G.
Other names: c.6044T>C, p.Phe2015Ser (LRG_1234t1); short protein forms F2015S.
Identifiers: ClinVar variation 649018 (VCV000649018.9), dbSNP rs756154171, ClinGen allele CA8948406.

ClinVar aggregate classification (germline): Uncertain significance. Review status: criteria provided, multiple submitters, no conflicts (2 of 4 stars). 3 submissions from 3 submitters: Uncertain significance (3). Last evaluated 2025-08-20.

Conditions:
Inborn genetic diseases. Identifiers: MedGen C0950123, MeSH D030342.
Vici syndrome (VICIS). Identifiers: Orphanet 1493, MedGen C1855772, MONDO:0009452, OMIM 242840.

Allele frequency attached by ClinVar (database versions not stated): gnomAD exomes 0.00004 and 0.00001; TOPMed 0.00009; ExAC 0.00004; gnomAD 0.00005.
gnomAD v4.1: 24 of 1,610,256 alleles (0.0015%); highest among the groups gnomAD compares: Admixed American, 0.038%; no homozygotes.

Submissions (3):

Ambry Genetics
Classification: Uncertain significance for Inborn genetic diseases. Last evaluated: 2025-08-20. Review status: criteria provided, single submitter. Criteria: Ambry Variant Classification Scheme 2023. Collection method: clinical testing. Allele origin: germline.

GeneDx
Classification: Uncertain significance. Last evaluated: 2025-08-13. Review status: criteria provided, single submitter. Criteria: GeneDx Variant Classification Process June 2021. Collection method: clinical testing. Allele origin: germline. Affected: yes.
Comment: Identified in homozygous state in a patient with lenticular displacement and cognitive dysfunction who was also homozygous for a novel missense variant in the CBS gene and was subsequently diagnosed with homocystinuria (Scott A. Turner et al. (2015) Case Reports in Clinical Pathology. 2 (3):59-65); In silico analysis suggests that this missense variant does not alter protein structure/function; This variant is associated with the following publications: (PMID: Turner2015[paper])

Labcorp Genetics (formerly Invitae), Labcorp
Classification: Uncertain significance for Vici syndrome. Last evaluated: 2025-04-23. Review status: criteria provided, single submitter. Criteria: Invitae Variant Classification Sherloc (09022015). Collection method: clinical testing. Allele origin: germline.
Comment: This sequence change replaces phenylalanine, which is neutral and non-polar, with serine, which is neutral and polar, at codon 2015 of the EPG5 protein (p.Phe2015Ser). This variant is present in population databases (rs756154171, gnomAD 0.03%). This variant has not been reported in the literature in individuals affected with EPG5-related conditions. ClinVar contains an entry for this variant (Variation ID: 649018). An algorithm developed to predict the effect of missense changes on protein structure and function (PolyPhen-2) suggests that this variant is likely to be tolerated. In summary, the available evidence is currently insufficient to determine the role of this variant in disease. Therefore, it has been classified as a Variant of Uncertain Significance.